The following is an entry in ClinVar:

NM_015338.6(ASXL1):c.3668C>T (p.Ser1223Phe)

Gene: ASXL1 (ASXL transcriptional regulator 1; plus strand). Cytogenetic location: 20q11.21.
Variant type: single nucleotide variant.
Coding change: c.3668C>T on transcript NM_015338.6 (MANE Select); coding-DNA position 3668, C replaced by T.
Protein change: p.Ser1223Phe; replaces serine 1223 with phenylalanine.
Molecular consequence: missense variant.
Genome position (GRCh38, 1-based): chr20:32,436,380, C>T. VCF-style: chr20-32436380-C-T. GRCh37 (hg19) VCF-style: chr20-31024183-C-T.
Other names: c.3485C>T, p.Ser1162Phe (NM_001363734.1); short protein forms S1162F, S1223F.
Identifiers: ClinVar variation 4084006 (VCV004084006.8).

ClinVar aggregate classification (germline): Likely benign (1 of 4 stars; one submission).

gnomAD v4.1: 4 of 1,613,602 alleles (0.00025%); highest among the groups gnomAD compares: Non-Finnish European, 0.00034%; no homozygotes.

Submission:

CeGaT Center for Human Genetics Tuebingen
Classification: Likely benign. Last evaluated: 2025-07-01. Review status: criteria provided, single submitter. Criteria: CeGaT Center For Human Genetics Tuebingen Variant Classification Criteria Version 2. Collection method: clinical testing. Allele origin: germline. Affected: yes. Observed: 1 variant allele.
Comment: ASXL1: BP4